The following is an entry in ClinVar:

ClinVar aggregate classification (germline): Conflicting classifications of pathogenicity. Review status: criteria provided, conflicting classifications (1 of 4 stars). 2 submissions from 2 submitters: Uncertain significance (1); Likely benign (1). Last evaluated 2024-08-24.

Conditions:
Cardiovascular phenotype. Identifiers: MedGen CN230736.

Submissions (2):

Labcorp Genetics (formerly Invitae), Labcorp
Classification: Uncertain significance. Last evaluated: 2024-08-24. Review status: criteria provided, single submitter. Criteria: Invitae Variant Classification Sherloc (09022015). Collection method: clinical testing. Allele origin: germline.
Comment: This sequence change replaces phenylalanine, which is neutral and non-polar, with leucine, which is neutral and non-polar, at codon 11 of the MFAP5 protein (p.Phe11Leu). This variant is not present in population databases (gnomAD no frequency). This variant has not been reported in the literature in individuals affected with MFAP5-related conditions. ClinVar contains an entry for this variant (Variation ID: 2563100). An algorithm developed to predict the effect of missense changes on protein structure and function outputs the following: PolyPhen-2: "Benign". The leucine amino acid residue is found in multiple mammalian species, which suggests that this missense change does not adversely affect protein function. In summary, the available evidence is currently insufficient to determine the role of this variant in disease. Therefore, it has been classified as a Variant of Uncertain Significance.

Ambry Genetics
Classification: Likely benign for Cardiovascular phenotype. Last evaluated: 2023-05-27. Review status: criteria provided, single submitter. Criteria: Ambry Variant Classification Scheme 2023. Collection method: clinical testing. Allele origin: germline.

NM_003480.4(MFAP5):c.33T>A (p.Phe11Leu)

Gene: MFAP5 (microfibril associated protein 5; minus strand). Cytogenetic location: 12p13.31.
Variant type: single nucleotide variant.
Coding change: c.33T>A on transcript NM_003480.4 (MANE Select); coding-DNA position 33, T replaced by A.
Protein change: p.Phe11Leu; replaces phenylalanine 11 with leucine.
Molecular consequence: missense variant. On other transcripts: non-coding transcript variant (2).
Genome position (GRCh38, 1-based): chr12:8,662,072, A>T on the plus strand (T>A on the coding strand, the complement: MFAP5 is on the minus strand). VCF-style: chr12-8662072-A-T. GRCh37 (hg19) VCF-style: chr12-8814668-A-T.
Other names: c.33T>A, p.Phe11Leu (NM_001297709.2, NM_001297710.2, NM_001297711.2 and 1 more transcripts); short protein forms F11L.
Identifiers: ClinVar variation 2563100 (VCV002563100.4), dbSNP rs769973987, ClinGen allele CA384039715.
Genomic context (GRCh38, chr12:8,662,072, plus strand): 5'-CTGAGGGTTTAGGGAGCAAAGAATAAAGGACTCACCAGAGGTGATGATGAATGCAGCAAG[A>T]AACAGCAGCACCTTGGGTCCCAAGAGCGACATATCTATAGGGGTGGTGGGCATAGCAGAG-3'
Protein context (NP_003471.1, residues 1-21): MSLLGPKVLL[Phe11Leu]LAAFIITSDW